The following is an entry in ClinVar:

ClinVar aggregate classification (germline): Uncertain significance (1 of 4 stars; one submission).

Conditions:
Menkes kinky-hair syndrome (MNK). Also called: Menkes Disease; Copper transport disease; Classic Menkes Disease. Identifiers: Orphanet 565, MedGen C0022716, MONDO:0010651, OMIM 309400.
Cutis laxa, X-linked (OHS). Also called: EDS IX; Occipital horn syndrome. Identifiers: Orphanet 198, MedGen C0268353, MONDO:0010572, OMIM 304150.
X-linked distal spinal muscular atrophy type 3. Also called: ATP7A-Related Distal Motor Neuropathy; SPINAL MUSCULAR ATROPHY, DISTAL, X-LINKED RECESSIVE; NEURONOPATHY, DISTAL HEREDITARY MOTOR, X-LINKED; NEUROPATHY, DISTAL HEREDITARY MOTOR, X-LINKED. Identifiers: Orphanet 139557, MedGen C1845359, MONDO:0010338, OMIM 300489.

gnomAD v4.1: 1 of 1,211,788 alleles (0.000083%); highest among the groups gnomAD compares: Non-Finnish European, 0.00011%; no homozygotes.

Submission:

Labcorp Genetics (formerly Invitae), Labcorp
Classification: Uncertain significance for X-linked distal spinal muscular atrophy type 3; Cutis laxa, X-linked; Menkes kinky-hair syndrome. Last evaluated: 2026-01-26. Review status: criteria provided, single submitter. Criteria: Invitae Variant Classification Sherloc (09022015). Collection method: clinical testing. Allele origin: germline.
Comment: This sequence change replaces serine, which is neutral and polar, with isoleucine, which is neutral and non-polar, at codon 887 of the ATP7A protein (p.Ser887Ile). This variant is not present in population databases (gnomAD no frequency). This variant has not been reported in the literature in individuals affected with ATP7A-related conditions. Invitae Evidence Modeling of protein sequence and biophysical properties (such as structural, functional, and spatial information, amino acid conservation, physicochemical variation, residue mobility, and thermodynamic stability) indicates that this missense variant is not expected to disrupt ATP7A protein function with a negative predictive value of 95%. In summary, the available evidence is currently insufficient to determine the role of this variant in disease. Therefore, it has been classified as a Variant of Uncertain Significance.

NM_000052.7(ATP7A):c.2660G>T (p.Ser887Ile)

Gene: ATP7A (ATPase copper transporting alpha; plus strand). Cytogenetic location: Xq21.1.
Variant type: single nucleotide variant.
Coding change: c.2660G>T on transcript NM_000052.7 (MANE Select); coding-DNA position 2660, G replaced by T.
Protein change: p.Ser887Ile; replaces serine 887 with isoleucine.
Molecular consequence: missense variant.
Genome position (GRCh38, 1-based): chrX:78,020,277, G>T. VCF-style: chrX-78020277-G-T. GRCh37 (hg19) VCF-style: chrX-77275774-G-T.
Other names: c.2426G>T, p.Ser809Ile (NM_001282224.2); short protein forms S887I, S809I.
Identifiers: ClinVar variation 4787461 (VCV004787461.1).